The following is an entry in ClinVar:

ClinVar aggregate classification (germline): Uncertain significance (1 of 4 stars; one submission).

Conditions:
Inborn genetic diseases. Identifiers: MedGen C0950123, MeSH D030342.

Submission:

Ambry Genetics
Classification: Uncertain significance for Inborn genetic diseases. Last evaluated: 2025-04-07. Review status: criteria provided, single submitter. Criteria: Ambry Variant Classification Scheme 2023. Collection method: clinical testing. Allele origin: germline.
Comment: The p.S855R variant (also known as c.2565C>A), located in coding exon 27 of the RTEL1 gene, results from a C to A substitution at nucleotide position 2565. The serine at codon 855 is replaced by arginine, an amino acid with dissimilar properties. This amino acid position is conserved. In addition, this alteration is predicted to be tolerated by in silico analysis. Based on the available evidence, the clinical significance of this variant remains unclear.

NM_001283009.2(RTEL1):c.2565C>A (p.Ser855Arg)

Genes: RTEL1 (regulator of telomere elongation helicase 1; plus strand), RTEL1-TNFRSF6B (RTEL1-TNFRSF6B readthrough (NMD candidate); plus strand). Cytogenetic location: 20q13.33.
Variant type: single nucleotide variant.
Coding change: c.2565C>A on transcript NM_001283009.2 (MANE Select); coding-DNA position 2565, C replaced by A.
Protein change: p.Ser855Arg; replaces serine 855 with arginine.
Molecular consequence: missense variant. On other transcripts: non-coding transcript variant (1).
Genome position (GRCh38, 1-based): chr20:63,691,750, C>A. VCF-style: chr20-63691750-C-A. GRCh37 (hg19) VCF-style: chr20-62323103-C-A.
Other names: c.1896C>A, p.Ser632Arg (NM_001283010.1); c.2565C>A, p.Ser855Arg (NM_016434.4); c.2637C>A, p.Ser879Arg (NM_032957.5); short protein forms S879R, S632R, S855R.
Identifiers: ClinVar variation 3948313 (VCV003948313.1).